The following is an entry in ClinVar:

ClinVar aggregate classification (germline): Likely benign. Review status: criteria provided, single submitter (1 of 4 stars). 2 submissions from 2 submitters: Likely benign (1). 1 of the submissions does not count toward it. Last evaluated 2026-01-09.

Conditions:
FRAS1-related disorder. Also called: FRAS1-related condition.

Allele frequency attached by ClinVar (database versions not stated): gnomAD exomes 0.00004; gnomAD 0.00012; ExAC 0.00015; TOPMed 0.00015; 1000 Genomes Project 0.00040; 1000 Genomes Project 30x 0.00047.
gnomAD v4.1: 75 of 1,613,522 alleles (0.0046%); highest among the groups gnomAD compares: East Asian, 0.045%; no homozygotes.

Submissions (2):

Labcorp Genetics (formerly Invitae), Labcorp
Classification: Likely benign. Last evaluated: 2026-01-09. Review status: criteria provided, single submitter. Criteria: Invitae Variant Classification Sherloc (09022015). Collection method: clinical testing. Allele origin: germline.

PreventionGenetics, part of Exact Sciences
Classification: Likely benign for FRAS1-related condition. Last evaluated: 2022-10-04. Review status: no assertion criteria provided. Collection method: clinical testing. Allele origin: germline. Not counted in ClinVar's aggregate classification.
Comment: This variant is classified as likely benign based on ACMG/AMP sequence variant interpretation guidelines (Richards et al. 2015 PMID: 25741868, with internal and published modifications).

NM_025074.7(FRAS1):c.7281G>A (p.Pro2427=)

Gene: FRAS1 (Fraser extracellular matrix complex subunit 1; plus strand). Cytogenetic location: 4q21.21.
Variant type: single nucleotide variant.
Coding change: c.7281G>A on transcript NM_025074.7 (MANE Select); coding-DNA position 7281, G replaced by A.
Protein change: p.Pro2427=; no amino-acid change (proline 2427 retained).
Molecular consequence: synonymous variant.
Genome position (GRCh38, 1-based): chr4:78,470,001, G>A. VCF-style: chr4-78470001-G-A. GRCh37 (hg19) VCF-style: chr4-79391155-G-A.
Other names: c.7281G>A (NM_025074.6).
Identifiers: ClinVar variation 2176740 (VCV002176740.6), dbSNP rs546503799, ClinGen allele CA2978045.